The following is an entry in ClinVar:

NM_000181.4(GUSB):c.1324G>A (p.Ala442Thr)

Gene: GUSB (glucuronidase beta; minus strand). Cytogenetic location: 7q11.21.
Variant type: single nucleotide variant.
Coding change: c.1324G>A on transcript NM_000181.4 (MANE Select); coding-DNA position 1324, G replaced by A.
Protein change: p.Ala442Thr; replaces alanine 442 with threonine.
Molecular consequence: missense variant. On other transcripts: non-coding transcript variant (1).
Genome position (GRCh38, 1-based): chr7:65,974,362, C>T on the plus strand (G>A on the coding strand, the complement: GUSB is on the minus strand). VCF-style: chr7-65974362-C-T. GRCh37 (hg19) VCF-style: chr7-65439349-C-T.
Other names: c.886G>A, p.Ala296Thr (NM_001284290.2); c.754G>A, p.Ala252Thr (NM_001293104.2); c.667G>A, p.Ala223Thr (NM_001293105.2); short protein forms A296T, A223T, A252T, A442T.
Identifiers: ClinVar variation 2308446 (VCV002308446.6), dbSNP rs753483823, ClinGen allele CA4276304.

ClinVar aggregate classification (germline): Conflicting classifications of pathogenicity. Review status: criteria provided, conflicting classifications (1 of 4 stars). 4 submissions from 4 submitters: Pathogenic (1); Uncertain significance (3). Last evaluated 2025-05-14.

Conditions:
Mucopolysaccharidosis type 7 (MPS7). Also called: MPS VII; BETA-GLUCURONIDASE DEFICIENCY; GUSB DEFICIENCY; SLY SYNDROME. Identifiers: Orphanet 584, MedGen C0085132, MONDO:0009662, OMIM 253220.
Inborn genetic diseases. Identifiers: MedGen C0950123, MeSH D030342.

Allele frequency attached by ClinVar (database versions not stated): gnomAD exomes below 0.00001; TOPMed below 0.00001; ExAC 0.00001.
gnomAD v4.1: 6 of 1,614,054 alleles (0.00037%); highest among the groups gnomAD compares: African/African-American, 0.0013%; no homozygotes.

Submissions (4):

Labcorp Genetics (formerly Invitae), Labcorp
Classification: Pathogenic for Mucopolysaccharidosis type 7. Last evaluated: 2025-05-14. Review status: criteria provided, single submitter. Criteria: Invitae Variant Classification Sherloc (09022015). Collection method: clinical testing. Allele origin: germline.
Comment: This sequence change replaces alanine, which is neutral and non-polar, with threonine, which is neutral and polar, at codon 442 of the GUSB protein (p.Ala442Thr). This variant is present in population databases (rs753483823, gnomAD 0.006%). This missense change has been observed in individual(s) with clinical features of mucopolysaccharidosis type VII (PMID: 38149215; internal data). In at least one individual the data is consistent with being in trans (on the opposite chromosome) from a pathogenic variant. It has also been observed to segregate with disease in related individuals. ClinVar contains an entry for this variant (Variation ID: 2308446). Invitae Evidence Modeling of protein sequence and biophysical properties (such as structural, functional, and spatial information, amino acid conservation, physicochemical variation, residue mobility, and thermodynamic stability) indicates that this missense variant is not expected to disrupt GUSB protein function with a negative predictive value of 80%. This variant disrupts the p.Ala442 amino acid residue in GUSB. Other variant(s) that disrupt this residue have been observed in individuals with GUSB-related conditions (PMID: 34686181), which suggests that this may be a clinically significant amino acid residue. For these reasons, this variant has been classified as Pathogenic.

Women's Health and Genetics/Laboratory Corporation of America, LabCorp
Classification: Uncertain significance. Last evaluated: 2025-01-21. Review status: criteria provided, single submitter. Criteria: LabCorp Variant Classification Summary - May 2015. Collection method: clinical testing. Allele origin: germline.
Comment: Variant summary: GUSB c.1324G>A (p.Ala442Thr) results in a non-conservative amino acid change located in the glycosyl hydrolases family 2, TIM barrel domain (IPR006103) of the encoded protein sequence. Three of five in-silico tools predict a damaging effect of the variant on protein function. The variant allele was found at a frequency of 4e-06 in 251482 control chromosomes (gnomAD). c.1324G>A has been reported in the literature in two fetuses (homozygous) affected with non-immune hydrops fetalis (Du_2023). These data indicate that the variant may be associated with disease. To our knowledge, no experimental evidence demonstrating an impact on protein function has been reported. The following publications have been ascertained in the context of this evaluation (PMID: 34980134, 38149215). ClinVar contains an entry for this variant (Variation ID: 2308446). Based on the evidence outlined above, the variant was classified as VUS-possibly pathogenic.

Ambry Genetics
Classification: Uncertain significance for Inborn genetic diseases. Last evaluated: 2022-08-17. Review status: criteria provided, single submitter. Criteria: Ambry Variant Classification Scheme 2023. Collection method: clinical testing. Allele origin: germline.

Juno Genomics, Hangzhou Juno Genomics, Inc
Classification: Uncertain significance for Mucopolysaccharidosis type 7. Review status: criteria provided, single submitter. Criteria: ACMG Guidelines, 2015. Collection method: clinical testing. Allele origin: germline. Affected: yes.
Comment: Absent from controls (or at extremely low frequency if recessive) in Genome Aggregation Database, Exome Sequencing Project, 1000 Genomes Project, or Exome Aggregation Consortium.;For recessive disorders, detected in trans with a pathogenic variant.;Patient's phenotype or family history is highly specific for a disease with a single genetic etiology.

Literature cited by the submitters: PubMed 38149215 (cited by Labcorp Genetics (formerly Invitae), Labcorp and Women's Health and Genetics/Laboratory Corporation of America, LabCorp); PubMed 34686181 (cited by Labcorp Genetics (formerly Invitae), Labcorp); PubMed 34980134 (cited by Women's Health and Genetics/Laboratory Corporation of America, LabCorp).